The following is an entry in ClinVar:

NM_001164277.2(SLC37A4):c.1079del (p.Asn360fs)

Gene: SLC37A4 (solute carrier family 37 member 4; minus strand). Cytogenetic location: 11q23.3.
Variant type: Deletion.
Coding change: c.1079del on transcript NM_001164277.2 (MANE Select); coding-DNA position 1079, one base deleted (A; older notation c.1079delA).
Protein change: p.Asn360fs; shifts the reading frame from asparagine 360.
Molecular consequence: frameshift variant.
Genome position (GRCh38, 1-based): chr11:119,025,235, T deleted on the plus strand (A on the coding strand, the reverse complement: SLC37A4 is on the minus strand); the first of 2 consecutive T bases (chr11:119,025,235-119,025,236); deleting either gives the same sequence. VCF-style (leftmost placement, unchanged base first): chr11-119025234-GT-G. GRCh37 (hg19) VCF-style: chr11-118895944-GT-G.
Other names: c.1145del, p.Asn382fs (NM_001164278.2); c.860del, p.Asn287fs (NM_001164279.2); c.1079del, p.Asn360fs (NM_001164280.2, NM_001467.6); short protein forms N360fs, N382fs, N287fs.
Identifiers: ClinVar variation 2837576 (VCV002837576.3), dbSNP rs2497011562, ClinGen allele CA2739271746.

ClinVar aggregate classification (germline): Pathogenic (1 of 4 stars; one submission).

Conditions:
Glucose-6-phosphate transport defect (GSD1B). Also called: Glycogen Storage Disease Type Ib; GSD Ib. Identifiers: Orphanet 364, Orphanet 79259, MedGen C0268146, MONDO:0009288, OMIM 232220.

Submission:

Labcorp Genetics (formerly Invitae), Labcorp
Classification: Pathogenic for Glucose-6-phosphate transport defect. Last evaluated: 2023-02-14. Review status: criteria provided, single submitter. Criteria: Invitae Variant Classification Sherloc (09022015). Collection method: clinical testing. Allele origin: germline.
Comment: This sequence change creates a premature translational stop signal (p.Asn360Thrfs*43) in the SLC37A4 gene. While this is not anticipated to result in nonsense mediated decay, it is expected to disrupt the last 70 amino acid(s) of the SLC37A4 protein. This variant is not present in population databases (gnomAD no frequency). This variant has not been reported in the literature in individuals affected with SLC37A4-related conditions. This variant disrupts a region of the SLC37A4 protein in which other variant(s) (p.Ala367Thr) have been determined to be pathogenic (PMID: 10518030, 10923042, 12444104, 18835800, 32300528). This suggests that this is a clinically significant region of the protein, and that variants that disrupt it are likely to be disease-causing. For these reasons, this variant has been classified as Pathogenic.

Literature cited by the submitters: PubMed 10518030; PubMed 10923042; PubMed 12444104; PubMed 18835800; PubMed 32300528.